The following is an entry in ClinVar:

ClinVar aggregate classification (germline): Uncertain significance (1 of 4 stars; one submission).

Allele frequency attached by ClinVar (database versions not stated): TOPMed below 0.00001; ExAC 0.00001; gnomAD 0.00001; gnomAD exomes 0.00001.
gnomAD v4.1: 15 of 1,613,924 alleles (0.00093%); highest among the groups gnomAD compares: South Asian, 0.0099%; 1 homozygote.

Submission:

Labcorp Genetics (formerly Invitae), Labcorp
Classification: Uncertain significance. Last evaluated: 2023-12-23. Review status: criteria provided, single submitter. Criteria: Invitae Variant Classification Sherloc (09022015). Collection method: clinical testing. Allele origin: germline.
Comment: This sequence change replaces arginine, which is basic and polar, with glutamine, which is neutral and polar, at codon 386 of the ACAN protein (p.Arg386Gln). This variant is present in population databases (rs761696605, gnomAD 0.006%). This variant has not been reported in the literature in individuals affected with ACAN-related conditions. Advanced modeling of protein sequence and biophysical properties (such as structural, functional, and spatial information, amino acid conservation, physicochemical variation, residue mobility, and thermodynamic stability) performed at Invitae indicates that this missense variant is not expected to disrupt ACAN protein function with a negative predictive value of 80%. In summary, the available evidence is currently insufficient to determine the role of this variant in disease. Therefore, it has been classified as a Variant of Uncertain Significance.

NM_001369268.1(ACAN):c.1157G>A (p.Arg386Gln)

Gene: ACAN (aggrecan; plus strand). Cytogenetic location: 15q26.1.
Variant type: single nucleotide variant.
Coding change: c.1157G>A on transcript NM_001369268.1 (MANE Select); coding-DNA position 1157, G replaced by A.
Protein change: p.Arg386Gln; replaces arginine 386 with glutamine.
Molecular consequence: missense variant.
Genome position (GRCh38, 1-based): chr15:88,845,610, G>A. VCF-style: chr15-88845610-G-A. GRCh37 (hg19) VCF-style: chr15-89388841-G-A.
Other names: c.1157G>A, p.Arg386Gln (NM_001135.4, NM_001411096.1, NM_001411097.1 and 1 more transcripts); short protein forms R386Q.
Identifiers: ClinVar variation 2782114 (VCV002782114.3), dbSNP rs761696605, ClinGen allele CA7719479.
Genomic context (GRCh38, chr15:88,845,610, plus strand): 5'-GTGAGGAGGACATCACCGTCCAGACAGTGACCTGGCCTGACATGGAGCTGCCACTGCCTC[G>A]AAACATCACTGAGGGTGAAGCCCGAGGCAGCGTGATCCTTACCGTAAAGCCCATCTTCGA-3'
Protein context (NP_001356197.1, residues 376-396): TWPDMELPLP[Arg386Gln]NITEGEARGS